The following is an entry in ClinVar:

ClinVar aggregate classification (germline): Pathogenic (1 of 4 stars; one submission).

Submission:

GeneDx
Classification: Pathogenic. Last evaluated: 2018-02-20. Review status: criteria provided, single submitter. Criteria: GeneDx Variant Classification (06012015). Collection method: clinical testing. Allele origin: germline. Affected: yes.
Comment: The c.181_190del10insCCATT variant in the EHMT1 gene has not been reported previously as a pathogenic variant nor as a benign variant, to our knowledge. The c.181_190del10insCCATT variant causes a frameshift starting with codon Serine 61, changes this amino acid to a Proline residue, and creates a premature Stop codon at position 67 of the new reading frame, denoted p.Ser61ProfsX67. This variant is predicted to cause loss of normal protein function either through protein truncation or nonsense-mediated mRNA decay. The c.181_190del10insCCATT variant is not observed in large population cohorts (Lek et al., 2016). We interpret c.181_190del10insCCATT as a pathogenic variant.

NM_024757.5(EHMT1):c.181_190delinsCCATT (p.Ser61fs)

Gene: EHMT1 (euchromatic histone lysine methyltransferase 1; plus strand). Cytogenetic location: 9q34.3.
Variant type: Indel.
Coding change: c.181_190delinsCCATT on transcript NM_024757.5 (MANE Select); coding-DNA positions 181 to 190, AGCGATGCCA replaced by CCATT.
Protein change: p.Ser61fs; shifts the reading frame from serine 61.
Molecular consequence: frameshift variant.
Genome position (GRCh38, 1-based): chr9:137,716,721-137,716,730, AGCGATGCCA replaced by CCATT. VCF-style: chr9-137716721-AGCGATGCCA-CCATT. GRCh37 (hg19) VCF-style: chr9-140611173-AGCGATGCCA-CCATT.
Other names: c.181_190delinsCCATT, p.Ser61fs (NM_001145527.2, NM_001354263.2, NM_001354611.2); c.88_97delinsCCATT, p.Ser30fs (NM_001354259.2, NM_001354612.2); short protein forms S30fs, S61fs.
Identifiers: ClinVar variation 504382 (VCV000504382.2), dbSNP rs1554846052, ClinGen allele CA658797389.